The following is an entry in ClinVar:

NM_005548.3(KARS1):c.1552-10C>T

Gene: KARS1 (lysyl-tRNA synthetase 1; minus strand). Cytogenetic location: 16q23.1.
Variant type: single nucleotide variant.
Coding change: c.1552-10C>T on transcript NM_005548.3 (MANE Select); 10 bases into the intron before coding-DNA position 1552, C replaced by T.
Molecular consequence: intron variant.
Genome position (GRCh38, 1-based): chr16:75,628,722, G>A on the plus strand (C>T on the coding strand, the complement: KARS1 is on the minus strand). VCF-style: chr16-75628722-G-A. GRCh37 (hg19) VCF-style: chr16-75662620-G-A.
Other names: c.1636-10C>T (NM_001130089.2); c.1084-10C>T (NM_001378148.1).
Identifiers: ClinVar variation 4999334 (VCV004999334.1).
Genomic context (GRCh38, chr16:75,628,722, plus strand): 5'-ACAGAAGTTTTCATCTATGAACATGGCCTCATCATCACCTGCAGCCTTGGCCTAGAAGAG[G>A]AAAGAGAACCAAAAGGTGACCTTCTTCTAAGATATCTCAGTGTGTGAGTGAACATGTTAC-3'

ClinVar aggregate classification (germline): Likely benign (1 of 4 stars; one submission).

Conditions:
KARS1-related disorder. Also called: KARS1-related disorders.

gnomAD v4.1: 1 of 1,614,196 alleles (0.000062%); highest among the groups gnomAD compares: Non-Finnish European, 0.000085%; no homozygotes.

Submission:

PreventionGenetics, part of Exact Sciences
Classification: Likely benign for KARS1-related condition. Last evaluated: 2025-04-28. Review status: criteria provided, single submitter. Criteria: ACMG Guidelines, 2015. Collection method: clinical testing. Allele origin: germline.
Comment: This variant is classified as likely benign based on ACMG/AMP sequence variant interpretation guidelines (Richards et al. 2015 PMID: 25741868, with internal and published modifications).